The following is an entry in ClinVar:

ClinVar aggregate classification (germline): Benign/Likely benign. Review status: criteria provided, multiple submitters, no conflicts (2 of 4 stars). 10 submissions from 10 submitters: Benign (8); Likely benign (1). 1 of the submissions does not count toward it. Last evaluated 2025-05-02.

Conditions:
Autosomal dominant polycystic kidney disease. Identifiers: Orphanet 730, MedGen C0085413, MONDO:0004691.
Polycystic kidney disease, adult type (PKD1). Also called: Polycystic Kidney, Autosomal Dominant; Polycystic Kidney Disease 1, Autosomal Dominant; Polycystic kidney disease 1; Polycystic kidney disease 1, severe; POLYCYSTIC KIDNEY DISEASE 1 WITH OR WITHOUT POLYCYSTIC LIVER DISEASE; POLYCYSTIC KIDNEY DISEASE, ADULT, TYPE I. Identifiers: MedGen C3149841, MONDO:0008263, OMIM 173900.
Polycystic kidney disease. Also called: Polycystic kidney dysplasia; Kidney, Polycystic. Identifiers: MedGen C0022680, MeSH D007690, MONDO:0020642, HP:0000113.

Allele frequency attached by ClinVar (database versions not stated): 1000 Genomes Project 0.06629; 1000 Genomes Project 30x 0.06715; gnomAD exomes 0.07259 and 0.07655; TOPMed 0.08429; gnomAD 0.09122 and 0.09456; ESP Exome Variant Server 0.09613; ExAC 0.10092.
gnomAD v4.1: 124,745 of 1,603,254 alleles (7.8%); highest among the groups gnomAD compares: African/African-American, 13%; 5,443 homozygotes.

Submissions (10):

Women's Health and Genetics/Laboratory Corporation of America, LabCorp
Classification: Likely benign. Last evaluated: 2025-05-02. Review status: criteria provided, single submitter. Criteria: LabCorp Variant Classification Summary - May 2015. Collection method: clinical testing. Allele origin: germline.

Blueprint Genetics
Classification: Benign. Last evaluated: 2024-11-27. Review status: criteria provided, single submitter. Criteria: ACMG Guidelines, 2015. Collection method: clinical testing. Allele origin: germline.

Mayo Clinic Laboratories, Mayo Clinic
Classification: Benign. Last evaluated: 2022-03-09. Review status: criteria provided, single submitter. Criteria: ACMG Guidelines, 2015. Collection method: clinical testing. Allele origin: germline. Observed: 59 variant alleles.

ARUP Laboratories, Molecular Genetics and Genomics, ARUP Laboratories
Classification: Benign for Polycystic kidney disease, adult type. Last evaluated: 2020-04-22. Review status: criteria provided, single submitter. Criteria: ARUP Molecular Germline Variant Investigation Process. Collection method: clinical testing. Allele origin: germline.

GeneDx
Classification: Benign. Last evaluated: 2019-10-03. Review status: criteria provided, single submitter. Criteria: GeneDx Variant Classification Process June 2021. Collection method: clinical testing. Allele origin: germline. Affected: yes.

Molecular Genetics of Inherited Kidney Disorders Laboratory, Garvan Institute of Medical Research
Classification: Benign for Autosomal dominant polycystic kidney disease. Last evaluated: 2019-01-01. Review status: criteria provided, single submitter. Criteria: ACMG Guidelines, 2015. Collection method: research. Allele origin: germline. Affected: yes.

Athena Diagnostics
Classification: Benign for Polycystic kidney disease, adult type. Last evaluated: 2017-05-15. Review status: criteria provided, single submitter. Criteria: Athena Diagnostics Criteria. Collection method: clinical testing. Allele origin: germline.

Breakthrough Genomics
Classification: Benign. Review status: criteria provided, single submitter. Criteria: ACMG Guidelines, 2015. Collection method: not provided. Allele origin: germline. Inheritance: Autosomal dominant inheritance. Affected: yes.

PreventionGenetics, part of Exact Sciences
Classification: Benign. Review status: criteria provided, single submitter. Criteria: ACMG Guidelines, 2015. Collection method: clinical testing. Allele origin: germline.

Department of Pathology and Laboratory Medicine, Sinai Health System
Classification: Benign for Polycystic Kidney disease. Review status: no assertion criteria provided. Collection method: clinical testing. Allele origin: unknown. Affected: yes. Observed: 1 variant allele. Study: The Canadian Open Genetics Repository (COGR). Not counted in ClinVar's aggregate classification.
Comment: The c.10535C>T, p.Ala3512Val variant was identified in 10.09% of 7978 control alleles in the Exome Aggregation Consortium (March 14, 2016). According to ACMG guidelines for variant classification based on allele frequency, category BA1, this variant is considered benign and has not been further reviewed (Richards 2015).

NM_001009944.3(PKD1):c.10535C>T (p.Ala3512Val)

Genes: PKD1 (polycystin 1, transient receptor potential channel interacting; minus strand), PKD1-AS1 (PKD1 antisense RNA 1; plus strand). Cytogenetic location: 16p13.3.
Variant type: single nucleotide variant.
Coding change: c.10535C>T on transcript NM_001009944.3 (MANE Select); coding-DNA position 10535, C replaced by T.
Protein change: p.Ala3512Val; replaces alanine 3512 with valine.
Molecular consequence: missense variant.
Genome position (GRCh38, 1-based): chr16:2,094,175, G>A on the plus strand (C>T on the coding strand, the complement: PKD1 is on the minus strand). VCF-style: chr16-2094175-G-A. GRCh37 (hg19) VCF-style: chr16-2144176-G-A.
Other names: c.10532C>T, p.Ala3511Val (NM_000296.4); short protein forms A3512V, A3511V.
Identifiers: ClinVar variation 256893 (VCV000256893.20), dbSNP rs34197769, ClinGen allele CA7829527.